The following is an entry in ClinVar:

ClinVar aggregate classification (germline): Uncertain significance. Review status: criteria provided, multiple submitters, no conflicts (2 of 4 stars). 2 submissions from 2 submitters: Uncertain significance (2). Last evaluated 2024-06-02.

Conditions:
Hypertrophic cardiomyopathy. Also called: HYPERTROPHIC MYOCARDIOPATHY. Identifiers: Orphanet 217569, MedGen C0007194, MeSH D002312, MONDO:0005045, HP:0001639.
Cardiovascular phenotype. Identifiers: MedGen CN230736.

gnomAD v4.1: 4 of 1,482,276 alleles (0.00027%); highest among the groups gnomAD compares: Non-Finnish European, 0.00036%; no homozygotes.

Submissions (2):

Labcorp Genetics (formerly Invitae), Labcorp
Classification: Uncertain significance for Hypertrophic cardiomyopathy. Last evaluated: 2024-06-02. Review status: criteria provided, single submitter. Criteria: Invitae Variant Classification Sherloc (09022015). Collection method: clinical testing. Allele origin: germline.
Comment: This sequence change replaces glycine, which is neutral and non-polar, with serine, which is neutral and polar, at codon 219 of the JPH2 protein (p.Gly219Ser). This variant is not present in population databases (gnomAD no frequency). This variant has not been reported in the literature in individuals affected with JPH2-related conditions. ClinVar contains an entry for this variant (Variation ID: 2566237). An algorithm developed to predict the effect of missense changes on protein structure and function (PolyPhen-2) suggests that this variant is likely to be disruptive. In summary, the available evidence is currently insufficient to determine the role of this variant in disease. Therefore, it has been classified as a Variant of Uncertain Significance.

Ambry Genetics
Classification: Uncertain significance for Cardiovascular phenotype. Last evaluated: 2023-05-15. Review status: criteria provided, single submitter. Criteria: Ambry Variant Classification Scheme 2023. Collection method: clinical testing. Allele origin: germline.
Comment: The p.G219S variant (also known as c.655G>A), located in coding exon 2 of the JPH2 gene, results from a G to A substitution at nucleotide position 655. The glycine at codon 219 is replaced by serine, an amino acid with similar properties. This amino acid position is highly conserved in available vertebrate species. In addition, this alteration is predicted to be tolerated by in silico analysis. Since supporting evidence is limited at this time, the clinical significance of this alteration remains unclear.

NM_020433.5(JPH2):c.655G>A (p.Gly219Ser)

Gene: JPH2 (junctophilin 2; minus strand). Cytogenetic location: 20q13.12.
Variant type: single nucleotide variant.
Coding change: c.655G>A on transcript NM_020433.5 (MANE Select); coding-DNA position 655, G replaced by A.
Protein change: p.Gly219Ser; replaces glycine 219 with serine.
Molecular consequence: missense variant.
Genome position (GRCh38, 1-based): chr20:44,160,132, C>T on the plus strand (G>A on the coding strand, the complement: JPH2 is on the minus strand). VCF-style: chr20-44160132-C-T. GRCh37 (hg19) VCF-style: chr20-42788772-C-T.
Other names: short protein forms G219S.
Identifiers: ClinVar variation 2566237 (VCV002566237.4), dbSNP rs1251565277, ClinGen allele CA409093947.
Genomic context (GRCh38, chr20:44,160,132, plus strand): 5'-CGGACGTGCGCGACTCTGCGCGCCGCAGCTTGCCCAGCAGCGCGCCCCGCTGGAAGAGGC[C>T]GCCGCCCTTGGGCGCCCGCGCGGCCGCCTCGGCATTGGCCAGGAGGCTGAGCGCGAAGCC-3'
Protein context (NP_065166.2, residues 209-229): EAAARAPKGG[Gly219Ser]LFQRGALLGK